The following is an entry in ClinVar:

NM_014630.3(ZNF592):c.2009C>T (p.Thr670Met)

Gene: ZNF592 (zinc finger protein 592; plus strand). Cytogenetic location: 15q25.3.
Variant type: single nucleotide variant.
Coding change: c.2009C>T on transcript NM_014630.3 (MANE Select); coding-DNA position 2009, C replaced by T.
Protein change: p.Thr670Met; replaces threonine 670 with methionine.
Molecular consequence: missense variant.
Genome position (GRCh38, 1-based): chr15:84,784,684, C>T. VCF-style: chr15-84784684-C-T. GRCh37 (hg19) VCF-style: chr15-85327915-C-T.
Other names: short protein forms T670M.
Identifiers: ClinVar variation 932053 (VCV000932053.3), dbSNP rs139025399, ClinGen allele CA7708294.

ClinVar aggregate classification (germline): Uncertain significance (1 of 4 stars; one submission).

Allele frequency attached by ClinVar (database versions not stated): gnomAD 0.00021 and 0.00024; TOPMed 0.00022; ESP Exome Variant Server 0.00023; gnomAD exomes 0.00023 and 0.00026; ExAC 0.00030.
gnomAD v4.1: 375 of 1,613,984 alleles (0.023%); highest among the groups gnomAD compares: Middle Eastern, 0.049%; no homozygotes.

Submission:

Centre for Mendelian Genomics, University Medical Centre Ljubljana
Classification: Uncertain significance. Last evaluated: 2019-02-22. Review status: criteria provided, single submitter. Criteria: ACMG Guidelines, 2015. Collection method: clinical testing. Allele origin: unknown. Affected: yes.
Comment: This variant was classified as: Uncertain significance. The available evidence on this variant's pathogenicity is insufficient or conflicting. The following ACMG criteria were applied in classifying this variant: BP4.